The following is an entry in ClinVar:

ClinVar aggregate classification (germline): Likely benign. Review status: criteria provided, multiple submitters, no conflicts (2 of 4 stars). 2 submissions from 2 submitters: Likely benign (2). Last evaluated 2025-10-01.

Conditions:
DYRK1A-related intellectual disability syndrome (MRD7). Also called: Intellectual developmental disorder, autosomal dominant 7; DYRK1A Syndrome. Identifiers: Orphanet 464306, MedGen C5568143, MONDO:0013578, OMIM 614104.

Allele frequency attached by ClinVar (database versions not stated): gnomAD exomes below 0.00001 and 0.00001; gnomAD 0.00001; TOPMed 0.00002; ESP Exome Variant Server 0.00008.
gnomAD v4.1: 17 of 1,614,006 alleles (0.0011%); highest among the groups gnomAD compares: Non-Finnish European, 0.0014%; no homozygotes.

Submissions (2):

Labcorp Genetics (formerly Invitae), Labcorp
Classification: Likely benign for DYRK1A-related intellectual disability syndrome. Last evaluated: 2025-10-01. Review status: criteria provided, single submitter. Criteria: Invitae Variant Classification Sherloc (09022015). Collection method: clinical testing. Allele origin: germline.

CeGaT Center for Human Genetics Tuebingen
Classification: Likely benign. Last evaluated: 2025-05-01. Review status: criteria provided, single submitter. Criteria: CeGaT Center For Human Genetics Tuebingen Variant Classification Criteria Version 2. Collection method: clinical testing. Allele origin: germline. Affected: yes. Observed: 1 variant allele.
Comment: DYRK1A: BP4, BP7

NM_001347721.2(DYRK1A):c.1308G>A (p.Thr436=)

Gene: DYRK1A (dual specificity tyrosine phosphorylation regulated kinase 1A; plus strand). Cytogenetic location: 21q22.13.
Variant type: single nucleotide variant.
Coding change: c.1308G>A on transcript NM_001347721.2 (MANE Select); coding-DNA position 1308, G replaced by A.
Protein change: p.Thr436=; no amino-acid change (threonine 436 retained).
Molecular consequence: synonymous variant.
Genome position (GRCh38, 1-based): chr21:37,505,378, G>A. VCF-style: chr21-37505378-G-A. GRCh37 (hg19) VCF-style: chr21-38877681-G-A.
Other names: c.1308G>A, p.Thr436= (NM_001347722.2, NM_130436.2); c.1221G>A, p.Thr407= (NM_001347723.2); c.1335G>A, p.Thr445= (NM_001396.5, NM_101395.2, NM_130438.2).
Identifiers: ClinVar variation 1128212 (VCV001128212.19), dbSNP rs376512809, ClinGen allele CA320464570.